The following is an entry in ClinVar:

ClinVar aggregate classification (germline): Uncertain significance. Review status: criteria provided, multiple submitters, no conflicts (2 of 4 stars). 2 submissions from 2 submitters: Uncertain significance (2). Last evaluated 2023-12-11.

Allele frequency attached by ClinVar (database versions not stated): gnomAD exomes 0.00001; TOPMed 0.00001; gnomAD 0.00001; ESP Exome Variant Server 0.00008.
gnomAD v4.1: 13 of 1,613,406 alleles (0.00081%); highest among the groups gnomAD compares: Non-Finnish European, 0.001%; no homozygotes.

Submissions (2):

Labcorp Genetics (formerly Invitae), Labcorp
Classification: Uncertain significance. Last evaluated: 2023-12-11. Review status: criteria provided, single submitter. Criteria: Invitae Variant Classification Sherloc (09022015). Collection method: clinical testing. Allele origin: germline.
Comment: This sequence change replaces aspartic acid, which is acidic and polar, with asparagine, which is neutral and polar, at codon 1227 of the PCDH15 protein (p.Asp1227Asn). This variant is present in population databases (rs368127988, gnomAD 0.002%). This variant has not been reported in the literature in individuals affected with PCDH15-related conditions. ClinVar contains an entry for this variant (Variation ID: 167429). Advanced modeling of protein sequence and biophysical properties (such as structural, functional, and spatial information, amino acid conservation, physicochemical variation, residue mobility, and thermodynamic stability) performed at Invitae indicates that this missense variant is not expected to disrupt PCDH15 protein function with a negative predictive value of 80%. In summary, the available evidence is currently insufficient to determine the role of this variant in disease. Therefore, it has been classified as a Variant of Uncertain Significance.

Eurofins Ntd Llc (ga)
Classification: Uncertain significance. Last evaluated: 2014-01-09. Review status: criteria provided, single submitter. Criteria: EGL Classification Definitions 2015. Collection method: clinical testing. Allele origin: germline. Observed: 1 variant allele, 1 heterozygote.

NM_001384140.1(PCDH15):c.3679G>A (p.Asp1227Asn)

Gene: PCDH15 (protocadherin related 15; minus strand). Cytogenetic location: 10q21.1.
Variant type: single nucleotide variant.
Coding change: c.3679G>A on transcript NM_001384140.1 (MANE Select); coding-DNA position 3679, G replaced by A.
Protein change: p.Asp1227Asn; replaces aspartic acid 1227 with asparagine.
Molecular consequence: missense variant.
Genome position (GRCh38, 1-based): chr10:53,866,680, C>T on the plus strand (G>A on the coding strand, the complement: PCDH15 is on the minus strand). VCF-style: chr10-53866680-C-T. GRCh37 (hg19) VCF-style: chr10-55626440-C-T.
Other names: c.3694G>A, p.Asp1232Asn (NM_001142763.2, NM_001142771.2); c.3679G>A, p.Asp1227Asn (NM_001142764.2, NM_001142766.2, NM_001142770.3 and 4 more transcripts); c.3466G>A, p.Asp1156Asn (NM_001142765.2); c.3568G>A, p.Asp1190Asn (NM_001142767.2); c.3613G>A, p.Asp1205Asn (NM_001142768.2, NM_001142773.2, NM_001354404.2); c.3715G>A, p.Asp1239Asn (NM_001142769.4); c.3700G>A, p.Asp1234Asn (NM_001354411.2); short protein forms D1227N, D1190N, D1234N, D1156N, D1205N, D1232N, D1239N.
Identifiers: ClinVar variation 167429 (VCV000167429.10), dbSNP rs368127988, ClinGen allele CA234504.
Genomic context (GRCh38, chr10:53,866,680, plus strand): 5'-TCCTGAAGTTTTATCTACTTACGAGTACATCGGCTTTGCCGCTCAGTCCCTTCCCATAGT[C>T]GTCAGTTGCAATAACTTGAAACTTGAAGTAGGATCTCCTCATATTATGGAAGAGCATAGC-3'
Protein context (NP_001371069.1, residues 1217-1237): YFKFQVIATD[Asp1227Asn]YGKGLSGKAD